The following is an entry in ClinVar:

ClinVar aggregate classification (germline): Likely benign. Review status: criteria provided, multiple submitters, no conflicts (2 of 4 stars). 2 submissions from 2 submitters: Likely benign (2). Last evaluated 2024-12-02.

Conditions:
Early-infantile DEE. Also called: Ohtahara syndrome; Early infantile epileptic encephalopathy with suppression bursts; Early infantile epileptic encephalopathy. Identifiers: Orphanet 1934, MedGen C0393706, MONDO:0800491.

Allele frequency attached by ClinVar (database versions not stated): gnomAD 0.00001; TOPMed 0.00001.
gnomAD v4.1: 6 of 1,586,456 alleles (0.00038%); highest among the groups gnomAD compares: African/African-American, 0.004%; no homozygotes.

Submissions (2):

Labcorp Genetics (formerly Invitae), Labcorp
Classification: Likely benign for Early-infantile DEE. Last evaluated: 2024-12-02. Review status: criteria provided, single submitter. Criteria: Invitae Variant Classification Sherloc (09022015). Collection method: clinical testing. Allele origin: germline.

GeneDx
Classification: Likely benign. Last evaluated: 2016-03-18. Review status: criteria provided, single submitter. Criteria: GeneDx Variant Classification (06012015). Collection method: clinical testing. Allele origin: germline. Affected: yes.
Comment: This variant is considered likely benign or benign based on one or more of the following criteria: it is a conservative change, it occurs at a poorly conserved position in the protein, it is predicted to be benign by multiple in silico algorithms, and/or has population frequency not consistent with disease.

NM_001330260.2(SCN8A):c.996A>G (p.Gln332=)

Gene: SCN8A (sodium voltage-gated channel alpha subunit 8; plus strand). Cytogenetic location: 12q13.13.
Variant type: single nucleotide variant.
Coding change: c.996A>G on transcript NM_001330260.2 (MANE Select); coding-DNA position 996, A replaced by G.
Protein change: p.Gln332=; no amino-acid change (glutamine 332 retained).
Molecular consequence: synonymous variant.
Genome position (GRCh38, 1-based): chr12:51,702,776, A>G. VCF-style: chr12-51702776-A-G. GRCh37 (hg19) VCF-style: chr12-52096560-A-G.
Other names: c.996A>G, p.Gln332= (NM_014191.4, NM_001177984.3, NM_001369788.1).
Identifiers: ClinVar variation 384645 (VCV000384645.10), dbSNP rs1057522020, ClinGen allele CA16606636.
Genomic context (GRCh38, chr12:51,702,776, plus strand): 5'-GGTCATGGCTGGGTGGAATTATGTTGAAAAGTCCTGAACTTCCCTTTCTTTCTTTAGGCA[A>G]TGCCCAGAGGGATACCAGTGTATGAAAGCAGGAAGGAACCCCAACTATGGTTACACAAGT-3'
Protein context (NP_001317189.1, residues 322-342): LLCGNSSDAG[Gln332=]CPEGYQCMKA